The following is an entry in ClinVar:

ClinVar aggregate classification (germline): Uncertain significance (1 of 4 stars; one submission).

Conditions:
Inborn genetic diseases. Identifiers: MedGen C0950123, MeSH D030342.

Allele frequency attached by ClinVar (database versions not stated): gnomAD exomes below 0.00001.
gnomAD v4.1: 1 of 1,607,364 alleles (0.000062%); no homozygotes.

Submission:

Ambry Genetics
Classification: Uncertain significance for Inborn genetic diseases. Last evaluated: 2021-02-09. Review status: criteria provided, single submitter. Criteria: Ambry Variant Classification Scheme 2023. Collection method: clinical testing. Allele origin: germline.
Comment: The c.1811G>C (p.R604T) alteration is located in exon 8 (coding exon 8) of the ERCC4 gene. This alteration results from a G to C substitution at nucleotide position 1811, causing the arginine (R) at amino acid position 604 to be replaced by a threonine (T). However, this change occurs in the last base pair of coding exon8, which makes it likely to have some effect on normal mRNA splicing. Based on data from the Genome Aggregation Database (gnomAD), the ERCC4 c.1811G>C alteration was not observed, with coverage at this position. This nucleotide position is highly conserved in available vertebrate species. In silico splice site analysis predicts that this alteration will weaken the native splice donor site. In addition, the in silico protein prediction for the p.R604T alteration is inconclusive. Based on insufficient or conflicting evidence, the clinical significance of this alteration remains unclear.

NM_005236.3(ERCC4):c.1811G>C (p.Arg604Thr)

Gene: ERCC4 (ERCC excision repair 4, endonuclease catalytic subunit; plus strand). Cytogenetic location: 16p13.12.
Variant type: single nucleotide variant.
Coding change: c.1811G>C on transcript NM_005236.3 (MANE Select); coding-DNA position 1811, G replaced by C.
Protein change: p.Arg604Thr; replaces arginine 604 with threonine.
Molecular consequence: missense variant.
Genome position (GRCh38, 1-based): chr16:13,935,743, G>C. VCF-style: chr16-13935743-G-C. GRCh37 (hg19) VCF-style: chr16-14029600-G-C.
Other names: short protein forms R604T.
Identifiers: ClinVar variation 2229191 (VCV002229191.2), dbSNP rs2543181845, ClinGen allele CA394812905.